The following is an entry in ClinVar:

ClinVar aggregate classification (germline): Uncertain significance (1 of 4 stars; one submission).

Conditions:
Inborn genetic diseases. Identifiers: MedGen C0950123, MeSH D030342.

Allele frequency attached by ClinVar (database versions not stated): gnomAD exomes below 0.00001; TOPMed 0.00001.
gnomAD v4.1: 1 of 1,614,178 alleles (0.000062%); highest among the groups gnomAD compares: Non-Finnish European, 0.000085%; no homozygotes.

Submission:

Ambry Genetics
Classification: Uncertain significance for Inborn genetic diseases. Last evaluated: 2025-05-01. Review status: criteria provided, single submitter. Criteria: Ambry Variant Classification Scheme 2023. Collection method: clinical testing. Allele origin: germline.
Comment: The p.Q934H variant (also known as c.2802G>C), located in coding exon 21 of the BUB1B gene, results from a G to C substitution at nucleotide position 2802. The glutamine at codon 934 is replaced by histidine, an amino acid with highly similar properties. This amino acid position is conserved. In addition, this alteration is predicted to be tolerated by in silico analysis. Since supporting evidence is limited at this time, the clinical significance of this alteration remains unclear.

NM_001211.6(BUB1B):c.2802G>C (p.Gln934His)

Genes: BUB1B (BUB1 mitotic checkpoint serine/threonine kinase B; plus strand), BUB1B-PAK6 (BUB1B-PAK6 readthrough; plus strand). Cytogenetic location: 15q15.1.
Variant type: single nucleotide variant.
Coding change: c.2802G>C on transcript NM_001211.6 (MANE Select); coding-DNA position 2802, G replaced by C.
Protein change: p.Gln934His; replaces glutamine 934 with histidine.
Molecular consequence: missense variant. On other transcripts: 5 prime UTR variant (2).
Genome position (GRCh38, 1-based): chr15:40,217,619, G>C. VCF-style: chr15-40217619-G-C. GRCh37 (hg19) VCF-style: chr15-40509820-G-C.
Other names: c.-249G>C (NM_001128628.3); c.-166G>C (NM_001128629.3); short protein forms Q934H.
Identifiers: ClinVar variation 1796234 (VCV001796234.3), dbSNP rs1484556062, ClinGen allele CA391688032.